The following is an entry in ClinVar:

ClinVar aggregate classification (germline): Conflicting classifications of pathogenicity. Review status: criteria provided, conflicting classifications (1 of 4 stars). 3 submissions from 3 submitters: Likely pathogenic (2); Uncertain significance (1). Last evaluated 2026-03-02.

Conditions:
Cardiovascular phenotype. Identifiers: MedGen CN230736.
Hypertrophic cardiomyopathy 1 (CMH1). Also called: MYH7-Related Familial Hypertrophic Cardiomyopathy; Familial hypertrophic cardiomyopathy 1. Identifiers: MedGen C3495498, MONDO:0008647, OMIM 192600.
Hypertrophic cardiomyopathy. Also called: HYPERTROPHIC MYOCARDIOPATHY. Identifiers: Orphanet 217569, MedGen C0007194, MeSH D002312, MONDO:0005045, HP:0001639.

Submissions (3):

Ambry Genetics
Classification: Likely pathogenic for Cardiovascular phenotype. Last evaluated: 2026-03-02. Review status: criteria provided, single submitter. Criteria: Ambry Variant Classification Scheme 2023. Collection method: clinical testing. Allele origin: germline.
Comment: The p.D516E variant (also known as c.1548C>A), located in coding exon 13 of the MYH7 gene, results from a C to A substitution at nucleotide position 1548. The aspartic acid at codon 516 is replaced by glutamic acid, an amino acid with highly similar properties. This variant was reported in individual(s) with features consistent with hypertrophic cardiomyopathy (Otsuka H et al. Circ J, 2012 Nov;76:453-61; Ambry internal data). This variant is located in the myosin head domain, which contains a statistically significant clustering of pathogenic missense variants (Homburger JR et al. Proc Natl Acad Sci U S A, 2016 06;113:6701-6; Walsh R et al. Genet Med, 2017 02;19:192-203; Ambry internal data). This amino acid position is highly conserved in available vertebrate species. In addition, this alteration is predicted to be deleterious by in silico analysis. This variant is considered to be rare based on population cohorts in the Genome Aggregation Database (gnomAD). Based on the majority of available evidence to date, this variant is likely to be pathogenic.

3billion
Classification: Likely pathogenic for Hypertrophic cardiomyopathy 1. Last evaluated: 2025-10-06. Review status: criteria provided, single submitter. Criteria: ACMG Guidelines, 2015. Collection method: clinical testing. Allele origin: germline. Affected: yes.
Comment: The variant is not observed in the gnomAD v4.1.0 dataset. Predicted Consequence/Location: The variant is located in a mutational hot spot and/or well-established functional domain in which established pathogenic variants have been reported (PMID: 29300372). In silico tool predictions suggest damaging effect of the variant on gene or gene product [REVEL: 0.93 (>=0.6, sensitivity 0.68 and specificity 0.92); 3Cnet: 0.95 (> 0.75, sensitivity 0.96 and precision 0.92)]. The same nucleotide change resulting in the same amino acid change has been previously reported to be associated with MYH7-related disorder (ClinVar ID: VCV001333294 /PMID: 22112859 /3billion dataset). Therefore, this variant is classified as Likely pathogenic according to the recommendation of ACMG/AMP guideline.

Labcorp Genetics (formerly Invitae), Labcorp
Classification: Uncertain significance for Hypertrophic cardiomyopathy. Last evaluated: 2024-05-10. Review status: criteria provided, single submitter. Criteria: Invitae Variant Classification Sherloc (09022015). Collection method: clinical testing. Allele origin: germline.
Comment: This sequence change replaces aspartic acid, which is acidic and polar, with glutamic acid, which is acidic and polar, at codon 516 of the MYH7 protein (p.Asp516Glu). This variant is not present in population databases (gnomAD no frequency). This missense change has been observed in individual(s) with hypertrophic cardiomyopathy (PMID: 22112859). ClinVar contains an entry for this variant (Variation ID: 1333294). Advanced modeling of protein sequence and biophysical properties (such as structural, functional, and spatial information, amino acid conservation, physicochemical variation, residue mobility, and thermodynamic stability) performed at Invitae indicates that this missense variant is expected to disrupt MYH7 protein function with a positive predictive value of 95%. In summary, the available evidence is currently insufficient to determine the role of this variant in disease. Therefore, it has been classified as a Variant of Uncertain Significance.

Literature cited by the submitters: PubMed 22112859 (cited by 3 submitters).

NM_000257.4(MYH7):c.1548C>A (p.Asp516Glu)

Gene: MYH7 (myosin heavy chain 7; minus strand). Cytogenetic location: 14q11.2.
Variant type: single nucleotide variant.
Coding change: c.1548C>A on transcript NM_000257.4 (MANE Select); coding-DNA position 1548, C replaced by A.
Protein change: p.Asp516Glu; replaces aspartic acid 516 with glutamic acid.
Molecular consequence: missense variant.
Genome position (GRCh38, 1-based): chr14:23,428,530, G>T on the plus strand (C>A on the coding strand, the complement: MYH7 is on the minus strand). VCF-style: chr14-23428530-G-T. GRCh37 (hg19) VCF-style: chr14-23897739-G-T.
Other names: short protein forms D516E.
Identifiers: ClinVar variation 1333294 (VCV001333294.11), dbSNP rs2138673993, ClinGen allele CA389050349.